The following is an entry in ClinVar:

NM_001348323.3(TRIP12):c.1969del (p.Gln657fs)

Gene: TRIP12 (thyroid hormone receptor interactor 12; minus strand). Cytogenetic location: 2q36.3.
Variant type: Deletion.
Coding change: c.1969del on transcript NM_001348323.3 (MANE Select); coding-DNA position 1969, one base deleted (C; older notation c.1969delC).
Protein change: p.Gln657fs; shifts the reading frame from glutamine 657.
Molecular consequence: frameshift variant.
Genome position (GRCh38, 1-based): chr2:229,813,887, G deleted on the plus strand (C on the coding strand, the reverse complement: TRIP12 is on the minus strand); the first of 3 consecutive G bases (chr2:229,813,887-229,813,889); deleting any one gives the same sequence. VCF-style (leftmost placement, unchanged base first): chr2-229813886-TG-T. GRCh37 (hg19) VCF-style: chr2-230678602-TG-T.
Other names: c.1969del, p.Gln657fs (NM_001348322.1, NM_001348324.2, NM_001348325.2 and 11 more transcripts); c.1843del, p.Gln615fs (NM_001348331.1, NM_001284215.2, NM_001348316.2 and 2 more transcripts); c.1882del, p.Gln628fs (NM_001348332.1); c.1825del, p.Gln609fs (NM_004238.3); c.934del, p.Gln312fs (NM_001284216.2); short protein forms Q312fs, Q609fs, Q615fs, Q628fs, Q657fs.
Identifiers: ClinVar variation 4082281 (VCV004082281.1).

ClinVar aggregate classification (germline): Pathogenic (1 of 4 stars; one submission).

Conditions:
Clark-Baraitser syndrome. Also called: MENTAL RETARDATION, AUTOSOMAL DOMINANT 49; BARAITSER SYNDROME; Mental retardation, tall stature, obesity, macrocephaly and typical facial features; Intellectual disability, autosomal dominant 49. Identifiers: Orphanet 600731, MedGen C2931130, MONDO:0030914, OMIM 617752.

Submission:

Medical Genetics Center, Maternal and Child Health Hospital of Hubei Province
Classification: Pathogenic for Clark-Baraitser syndrome. Last evaluated: 2022-09-07. Review status: criteria provided, single submitter. Criteria: ACMG Guidelines, 2015. Collection method: clinical testing. Allele origin: de novo. Affected: yes.
Comment: PVS1 + PS2 + PM2